The following is an entry in ClinVar:

ClinVar aggregate classification (germline): Conflicting classifications of pathogenicity. Review status: criteria provided, conflicting classifications (1 of 4 stars). 4 submissions from 4 submitters: Uncertain significance (2); Benign (1); Likely benign (1). Last evaluated 2025-09-10.

Conditions:
Emery-Dreifuss muscular dystrophy 5, autosomal dominant (EDMD5). Also called: EMERY-DREIFUSS MUSCULAR DYSTROPHY 5. Identifiers: Orphanet 261, MedGen C2751805, MONDO:0013072, OMIM 612999.

Allele frequency attached by ClinVar (database versions not stated): gnomAD below 0.00001 and 0.00005; gnomAD exomes 0.00010 and 0.00022; ExAC 0.00023; 1000 Genomes Project 30x 0.00031; 1000 Genomes Project 0.00040.
gnomAD v4.1: 163 of 1,614,170 alleles (0.01%); highest among the groups gnomAD compares: South Asian, 0.17%; 4 homozygotes.

Submissions (4):

Labcorp Genetics (formerly Invitae), Labcorp
Classification: Likely benign for Emery-Dreifuss muscular dystrophy 5, autosomal dominant. Last evaluated: 2025-09-10. Review status: criteria provided, single submitter. Criteria: Invitae Variant Classification Sherloc (09022015). Collection method: clinical testing. Allele origin: germline.

Ambry Genetics
Classification: Uncertain significance. Last evaluated: 2021-06-11. Review status: criteria provided, single submitter. Criteria: Ambry Variant Classification Scheme 2023. Collection method: clinical testing. Allele origin: germline.

Illumina Laboratory Services, Illumina
Classification: Benign for Emery-Dreifuss muscular dystrophy 5, autosomal dominant. Last evaluated: 2018-01-13. Review status: criteria provided, single submitter. Criteria: ICSL Variant Classification Criteria 13 December 2019. Collection method: clinical testing. Allele origin: germline.
Comment: This variant was observed in the ICSL laboratory as part of a predisposition screen in an ostensibly healthy population. It had not been previously curated by ICSL or reported in the Human Gene Mutation Database (HGMD: prior to June 1st, 2018), and was therefore a candidate for classification through an automated scoring system. Utilizing variant allele frequency, disease prevalence and penetrance estimates, and inheritance mode, an automated score was calculated to assess if this variant is too frequent to cause the disease. Based on the score and internal cut-off values, a variant classified as benign is not then subjected to further curation. The score for this variant resulted in a classification of benign for this disease.

Eurofins Ntd Llc (ga)
Classification: Uncertain significance. Last evaluated: 2015-10-06. Review status: criteria provided, single submitter. Criteria: EGL Classification Definitions 2015. Collection method: clinical testing. Allele origin: germline. Observed: 1 variant allele, 1 heterozygote.

NM_182914.3(SYNE2):c.6599A>G (p.Lys2200Arg)

Gene: SYNE2 (spectrin repeat containing nuclear envelope protein 2; plus strand). Cytogenetic location: 14q23.2.
Variant type: single nucleotide variant.
Coding change: c.6599A>G on transcript NM_182914.3 (MANE Select); coding-DNA position 6599, A replaced by G.
Protein change: p.Lys2200Arg; replaces lysine 2200 with arginine.
Molecular consequence: missense variant.
Genome position (GRCh38, 1-based): chr14:64,027,678, A>G. VCF-style: chr14-64027678-A-G. GRCh37 (hg19) VCF-style: chr14-64494396-A-G.
Other names: c.6599A>G, p.Lys2200Arg (NM_015180.6); short protein forms K2200R.
Identifiers: ClinVar variation 283408 (VCV000283408.19), dbSNP rs551801857, ClinGen allele CA7220729.